The following is an entry in ClinVar:

NM_021927.3(GUF1):c.1208G>C (p.Gly403Ala)

Gene: GUF1 (GTP binding elongation factor GUF1; plus strand). Cytogenetic location: 4p12.
Variant type: single nucleotide variant.
Coding change: c.1208G>C on transcript NM_021927.3 (MANE Select); coding-DNA position 1208, G replaced by C.
Protein change: p.Gly403Ala; replaces glycine 403 with alanine.
Molecular consequence: missense variant.
Genome position (GRCh38, 1-based): chr4:44,689,848, G>C. VCF-style: chr4-44689848-G-C. GRCh37 (hg19) VCF-style: chr4-44691865-G-C.
Other names: c.236G>C, p.Gly79Ala (NM_001345867.2, NM_001345869.2); c.1208G>C, p.Gly403Ala (NM_001345868.2); c.1208G>C (NM_021927.2); short protein forms G403A, G79A.
Identifiers: ClinVar variation 2896376 (VCV002896376.4), dbSNP rs755864442, ClinGen allele CA2905580.

ClinVar aggregate classification (germline): Uncertain significance. Review status: criteria provided, multiple submitters, no conflicts (2 of 4 stars). 2 submissions from 2 submitters: Uncertain significance (2). Last evaluated 2025-06-07.

Allele frequency attached by ClinVar (database versions not stated): ExAC 0.00004; gnomAD 0.00006; gnomAD exomes 0.00006.
gnomAD v4.1: 100 of 1,599,478 alleles (0.0063%); highest among the groups gnomAD compares: Middle Eastern, 0.033%; no homozygotes.

Submissions (2):

Ambry Genetics
Classification: Uncertain significance. Last evaluated: 2025-06-07. Review status: criteria provided, single submitter. Criteria: Ambry Variant Classification Scheme 2023. Collection method: clinical testing. Allele origin: germline.

Labcorp Genetics (formerly Invitae), Labcorp
Classification: Uncertain significance. Last evaluated: 2024-05-28. Review status: criteria provided, single submitter. Criteria: Invitae Variant Classification Sherloc (09022015). Collection method: clinical testing. Allele origin: germline.
Comment: This sequence change replaces glycine, which is neutral and non-polar, with alanine, which is neutral and non-polar, at codon 403 of the GUF1 protein (p.Gly403Ala). This variant is present in population databases (rs755864442, gnomAD 0.07%), and has an allele count higher than expected for a pathogenic variant. This variant has not been reported in the literature in individuals affected with GUF1-related conditions. Advanced modeling of protein sequence and biophysical properties (such as structural, functional, and spatial information, amino acid conservation, physicochemical variation, residue mobility, and thermodynamic stability) performed at Invitae indicates that this missense variant is expected to disrupt GUF1 protein function with a positive predictive value of 80%. In summary, the available evidence is currently insufficient to determine the role of this variant in disease. Therefore, it has been classified as a Variant of Uncertain Significance.